The following is an entry in ClinVar:

NM_001287491.2(TET3):c.2494+3A>C

Gene: TET3 (tet methylcytosine dioxygenase 3; plus strand). Cytogenetic location: 2p13.1.
Variant type: single nucleotide variant.
Coding change: c.2494+3A>C on transcript NM_001287491.2 (MANE Select); 3 bases into the intron after coding-DNA position 2494, A replaced by C.
Molecular consequence: intron variant.
Genome position (GRCh38, 1-based): chr2:74,048,414, A>C. VCF-style: chr2-74048414-A-C. GRCh37 (hg19) VCF-style: chr2-74275541-A-C.
Other names: c.2215+3A>C (NM_001366022.1).
Identifiers: ClinVar variation 4686895 (VCV004686895.1).

ClinVar aggregate classification (germline): Uncertain significance (1 of 4 stars; one submission).

Submission:

GeneDx
Classification: Uncertain significance. Last evaluated: 2025-07-23. Review status: criteria provided, single submitter. Criteria: GeneDx Variant Classification Process June 2021. Collection method: clinical testing. Allele origin: germline. Affected: yes.
Comment: Not observed at significant frequency in large population cohorts (gnomAD); Has not been previously published as pathogenic or benign to our knowledge; In silico analysis is inconclusive as to whether the variant alters gene splicing. In the absence of RNA/functional studies, the actual effect of this sequence change is unknown.